The following is an entry in ClinVar:

NM_001173990.3(TMEM216):c.*444T>C

Gene: TMEM216 (transmembrane protein 216; plus strand). Cytogenetic location: 11q12.2.
Variant type: single nucleotide variant.
Coding change: c.*444T>C on transcript NM_001173990.3 (MANE Select); 444 bases downstream of the stop codon, T replaced by C.
Molecular consequence: 3 prime UTR variant.
Genome position (GRCh38, 1-based): chr11:61,398,720, T>C. VCF-style: chr11-61398720-T-C. GRCh37 (hg19) VCF-style: chr11-61166192-T-C.
Other names: c.*444T>C (NM_001173991.3, NM_001330285.2, NM_016499.6).
Identifiers: ClinVar variation 305089 (VCV000305089.6), dbSNP rs116047887, ClinGen allele CA10638828.

ClinVar aggregate classification (germline): Benign/Likely benign. Review status: criteria provided, multiple submitters, no conflicts (2 of 4 stars). 3 submissions from 2 submitters: Benign (2); Likely benign (1). Last evaluated 2021-05-23.

Conditions:
Joubert syndrome 2 (JBTS2). Also called: CEREBELLOOCULORENAL SYNDROME 2. Identifiers: Orphanet 2318, MedGen C1842577, MONDO:0011963, OMIM 608091.
Meckel syndrome, type 2 (MKS2). Also called: MKS2-Related Meckel Syndrome; MECKEL-GRUBER SYNDROME, TYPE 2. Identifiers: Orphanet 564, MedGen C1864148, MONDO:0011296, OMIM 603194.

Allele frequency attached by ClinVar (database versions not stated): gnomAD exomes 0.00437; gnomAD 0.02086 and 0.02253; 1000 Genomes Project 0.02356; TOPMed 0.02379; 1000 Genomes Project 30x 0.02483.

Submissions (3):

GeneDx
Classification: Benign. Last evaluated: 2021-05-23. Review status: criteria provided, single submitter. Criteria: GeneDx Variant Classification Process June 2021. Collection method: clinical testing. Allele origin: germline. Affected: yes.

Illumina Laboratory Services, Illumina
Classification: Benign for Joubert syndrome 2. Last evaluated: 2018-01-13. Review status: criteria provided, single submitter. Criteria: ICSL Variant Classification Criteria 13 December 2019. Collection method: clinical testing. Allele origin: germline.
Comment: This variant was observed in the ICSL laboratory as part of a predisposition screen in an ostensibly healthy population. It had not been previously curated by ICSL or reported in the Human Gene Mutation Database (HGMD: prior to June 1st, 2018), and was therefore a candidate for classification through an automated scoring system. Utilizing variant allele frequency, disease prevalence and penetrance estimates, and inheritance mode, an automated score was calculated to assess if this variant is too frequent to cause the disease. Based on the score and internal cut-off values, a variant classified as benign is not then subjected to further curation. The score for this variant resulted in a classification of benign for this disease.

Illumina Laboratory Services, Illumina
Classification: Likely benign for Meckel syndrome, type 2. Last evaluated: 2018-01-13. Review status: criteria provided, single submitter. Criteria: ICSL Variant Classification Criteria 13 December 2019. Collection method: clinical testing. Allele origin: germline.
Comment: This variant was observed in the ICSL laboratory as part of a predisposition screen in an ostensibly healthy population. It had not been previously curated by ICSL or reported in the Human Gene Mutation Database (HGMD: prior to June 1st, 2018), and was therefore a candidate for classification through an automated scoring system. Utilizing variant allele frequency, disease prevalence and penetrance estimates, and inheritance mode, an automated score was calculated to assess if this variant is too frequent to cause the disease. Based on the score and internal cut-off values, a variant classified as likely benign is not then subjected to further curation. The score for this variant resulted in a classification of likely benign for this disease.